The following is an entry in ClinVar:

NM_004104.5(FASN):c.331G>A (p.Val111Met)

Gene: FASN (fatty acid synthase; minus strand). Cytogenetic location: 17q25.3.
Variant type: single nucleotide variant.
Coding change: c.331G>A on transcript NM_004104.5 (MANE Select); coding-DNA position 331, G replaced by A.
Protein change: p.Val111Met; replaces valine 111 with methionine.
Molecular consequence: missense variant.
Genome position (GRCh38, 1-based): chr17:82,093,721, C>T on the plus strand (G>A on the coding strand, the complement: FASN is on the minus strand). VCF-style: chr17-82093721-C-T. GRCh37 (hg19) VCF-style: chr17-80051597-C-T.
Other names: short protein forms V111M.
Identifiers: ClinVar variation 1434328 (VCV001434328.6), dbSNP rs145409565, ClinGen allele CA8853561.

ClinVar aggregate classification (germline): Uncertain significance (1 of 4 stars; one submission).

Conditions:
Epileptic encephalopathy. Identifiers: MedGen C0543888, HP:0200134.

Allele frequency attached by ClinVar (database versions not stated): TOPMed below 0.00001; gnomAD 0.00001; ESP Exome Variant Server 0.00008.
gnomAD v4.1: 9 of 1,612,648 alleles (0.00056%); highest among the groups gnomAD compares: South Asian, 0.0022%; no homozygotes.

Submission:

Labcorp Genetics (formerly Invitae), Labcorp
Classification: Uncertain significance for Epileptic encephalopathy. Last evaluated: 2021-12-02. Review status: criteria provided, single submitter. Criteria: Invitae Variant Classification Sherloc (09022015). Collection method: clinical testing. Allele origin: germline.
Comment: In summary, the available evidence is currently insufficient to determine the role of this variant in disease. Therefore, it has been classified as a Variant of Uncertain Significance. Algorithms developed to predict the effect of missense changes on protein structure and function are either unavailable or do not agree on the potential impact of this missense change (SIFT: "Deleterious"; PolyPhen-2: "Possibly Damaging"; Align-GVGD: "Class C0"). This variant has not been reported in the literature in individuals affected with FASN-related conditions. This variant is present in population databases (rs145409565, gnomAD 0.0009%). This sequence change replaces valine, which is neutral and non-polar, with methionine, which is neutral and non-polar, at codon 111 of the FASN protein (p.Val111Met).